The following is an entry in ClinVar:

NM_004698.4(PRPF3):c.780G>C (p.Glu260Asp)

Gene: PRPF3 (pre-mRNA processing factor 3; plus strand). Cytogenetic location: 1q21.2.
Variant type: single nucleotide variant.
Coding change: c.780G>C on transcript NM_004698.4 (MANE Select); coding-DNA position 780, G replaced by C.
Protein change: p.Glu260Asp; replaces glutamic acid 260 with aspartic acid.
Molecular consequence: missense variant. On other transcripts: non-coding transcript variant (4).
Genome position (GRCh38, 1-based): chr1:150,334,986, G>C. VCF-style: chr1-150334986-G-C. GRCh37 (hg19) VCF-style: chr1-150307457-G-C.
Other names: c.780G>C (NM_004698.2); c.375G>C, p.Glu125Asp (NM_001350529.1); short protein forms E125D, E260D.
Identifiers: ClinVar variation 1018916 (VCV001018916.7), dbSNP rs80201355, ClinGen allele CA342293904.
Genomic context (GRCh38, chr1:150,334,986, plus strand): 5'-ATTTTTCAGGAAGGTGGAGTTAAAAGACCAAACGAAACCTACACCACTGATCCTGGATGA[G>C]CAAGGGCGCACTGTAGATGCAACAGGCAAGGAGATTGAGCTGACACACCGCATGCCTACT-3'
Protein context (NP_004689.1, residues 250-270): QTKPTPLILD[Glu260Asp]QGRTVDATGK

ClinVar aggregate classification (germline): Uncertain significance. Review status: criteria provided, multiple submitters, no conflicts (2 of 4 stars). 2 submissions from 2 submitters: Uncertain significance (2). Last evaluated 2026-06-24.

Conditions:
PRPF3-related disorder. Also called: PRPF3-related condition.

Allele frequency attached by ClinVar (database versions not stated): TOPMed 0.00001.
gnomAD v4.1: 1 of 1,614,112 alleles (0.000062%); highest among the groups gnomAD compares: Admixed American, 0.0017%; no homozygotes.

Submissions (2):

PreventionGenetics, part of Exact Sciences
Classification: Uncertain significance for PRPF3-related condition. Last evaluated: 2026-06-24. Review status: criteria provided, single submitter. Criteria: ACMG Guidelines, 2015. Collection method: clinical testing. Allele origin: germline.
Comment: The PRPF3 c.780G>C variant is predicted to result in the amino acid substitution p.Glu260Asp. To our knowledge, this variant has not been reported in the literature. This variant is reported in 0.0029% of alleles in individuals of Latino descent in gnomAD. At this time, the clinical significance of this variant is uncertain due to the absence of conclusive functional and genetic evidence.

Labcorp Genetics (formerly Invitae), Labcorp
Classification: Uncertain significance. Last evaluated: 2025-09-15. Review status: criteria provided, single submitter. Criteria: Invitae Variant Classification Sherloc (09022015). Collection method: clinical testing. Allele origin: germline.
Comment: This sequence change replaces glutamic acid, which is acidic and polar, with aspartic acid, which is acidic and polar, at codon 260 of the PRPF3 protein (p.Glu260Asp). This variant is present in population databases (no rsID available, gnomAD 0.003%). This variant has not been reported in the literature in individuals affected with PRPF3-related conditions. ClinVar contains an entry for this variant (Variation ID: 1018916). Invitae Evidence Modeling of protein sequence and biophysical properties (such as structural, functional, and spatial information, amino acid conservation, physicochemical variation, residue mobility, and thermodynamic stability) indicates that this missense variant is not expected to disrupt PRPF3 protein function with a negative predictive value of 95%. In summary, the available evidence is currently insufficient to determine the role of this variant in disease. Therefore, it has been classified as a Variant of Uncertain Significance.